The following is an entry in ClinVar:

ClinVar aggregate classification (germline): Benign. Review status: criteria provided, multiple submitters, no conflicts (2 of 4 stars). 4 submissions from 4 submitters: Benign (3). 1 of the submissions does not count toward it. Last evaluated 2021-05-06.

Conditions:
DNAH17-related disorder. Also called: DNAH17-related condition.

Allele frequency attached by ClinVar (database versions not stated): gnomAD exomes 0.00220 and 0.00566; ExAC 0.00658; ESP Exome Variant Server 0.02002; gnomAD 0.02088 and 0.02200; TOPMed 0.02315; 1000 Genomes Project 0.02636; 1000 Genomes Project 30x 0.02748.
gnomAD v4.1: 6,569 of 1,613,984 alleles (0.41%); highest among the groups gnomAD compares: African/African-American, 7.2%; 207 homozygotes.

Submissions (4):

GeneDx
Classification: Benign. Last evaluated: 2021-05-06. Review status: criteria provided, single submitter. Criteria: GeneDx Variant Classification Process June 2021. Collection method: clinical testing. Allele origin: germline. Affected: yes.

Labcorp Genetics (formerly Invitae), Labcorp
Classification: Benign. Last evaluated: 2019-12-31. Review status: criteria provided, single submitter. Criteria: Invitae Variant Classification Sherloc (09022015). Collection method: clinical testing. Allele origin: germline.

Breakthrough Genomics
Classification: Benign. Review status: criteria provided, single submitter. Criteria: ACMG Guidelines, 2015. Collection method: not provided. Allele origin: germline. Inheritance: Autosomal recessive inheritance. Affected: yes.

PreventionGenetics, part of Exact Sciences
Classification: Benign for DNAH17-related condition. Last evaluated: 2019-06-17. Review status: no assertion criteria provided. Collection method: clinical testing. Allele origin: germline. Not counted in ClinVar's aggregate classification.
Comment: This variant is classified as benign based on ACMG/AMP sequence variant interpretation guidelines (Richards et al. 2015 PMID: 25741868, with internal and published modifications).

NM_173628.4(DNAH17):c.5216C>T (p.Thr1739Met)

Genes: DNAH17 (dynein axonemal heavy chain 17; minus strand), DNAH17-AS1 (DNAH17 antisense RNA 1; plus strand). Cytogenetic location: 17q25.3.
Variant type: single nucleotide variant.
Coding change: c.5216C>T on transcript NM_173628.4 (MANE Select); coding-DNA position 5216, C replaced by T.
Protein change: p.Thr1739Met; replaces threonine 1739 with methionine.
Molecular consequence: missense variant. On other transcripts: non-coding transcript variant (1).
Genome position (GRCh38, 1-based): chr17:78,501,848, G>A on the plus strand (C>T on the coding strand, the complement: DNAH17 is on the minus strand). VCF-style: chr17-78501848-G-A. GRCh37 (hg19) VCF-style: chr17-76497930-G-A.
Other names: short protein forms T1739M.
Identifiers: ClinVar variation 768917 (VCV000768917.9), dbSNP rs61743998, ClinGen allele CA8803362.
Genomic context (GRCh38, chr17:78,501,848, plus strand): 5'-ATGGTGCAGATGGTCATGATCTTCATCCTGTCGCCAGCGTTGAGGTTCCCCATGAGCAGC[G>A]TGATGAGTACGTTCAGCTGGCTAATCTGCGGGGGAGAGTGCCTTCGATGAGACACCACGG-3'
Protein context (NP_775899.3, residues 1729-1749): KQISQLNVLI[Thr1739Met]LLMGNLNAGD